The following is an entry in ClinVar:

ClinVar aggregate classification (germline): Uncertain significance (1 of 4 stars; one submission).

Allele frequency attached by ClinVar (database versions not stated): TOPMed below 0.00001; gnomAD 0.00001.
gnomAD v4.1: 4 of 1,611,574 alleles (0.00025%); highest among the groups gnomAD compares: Non-Finnish European, 0.00034%; no homozygotes.

Submission:

Labcorp Genetics (formerly Invitae), Labcorp
Classification: Uncertain significance. Last evaluated: 2021-10-03. Review status: criteria provided, single submitter. Criteria: Invitae Variant Classification Sherloc (09022015). Collection method: clinical testing. Allele origin: germline.
Comment: This sequence change replaces histidine with glutamine at codon 831 of the LPIN1 protein (p.His831Gln). The histidine residue is moderately conserved and there is a small physicochemical difference between histidine and glutamine. This variant is not present in population databases (ExAC no frequency). This variant has not been reported in the literature in individuals affected with LPIN1-related conditions. Algorithms developed to predict the effect of missense changes on protein structure and function are either unavailable or do not agree on the potential impact of this missense change (SIFT: "Tolerated"; PolyPhen-2: "Probably Damaging"; Align-GVGD: "Class C0"). In summary, the available evidence is currently insufficient to determine the role of this variant in disease. Therefore, it has been classified as a Variant of Uncertain Significance.

NM_001349206.2(LPIN1):c.2601T>A (p.His867Gln)

Gene: LPIN1 (lipin 1; plus strand). Cytogenetic location: 2p25.1.
Variant type: single nucleotide variant.
Coding change: c.2601T>A on transcript NM_001349206.2 (MANE Select); coding-DNA position 2601, T replaced by A.
Protein change: p.His867Gln; replaces histidine 867 with glutamine.
Molecular consequence: missense variant. On other transcripts: non-coding transcript variant (1).
Genome position (GRCh38, 1-based): chr2:11,820,494, T>A. VCF-style: chr2-11820494-T-A. GRCh37 (hg19) VCF-style: chr2-11960620-T-A.
Other names: c.2511T>A, p.His837Gln (NM_001261427.3); c.2748T>A, p.His916Gln (NM_001261428.3); c.2493T>A, p.His831Gln (NM_001349199.2, NM_145693.4); c.2571T>A, p.His857Gln (NM_001349200.2, NM_001349201.2); c.2598T>A, p.His866Gln (NM_001349202.2, NM_001349203.2); c.2601T>A, p.His867Gln (NM_001349204.2, NM_001349205.2); c.2691T>A, p.His897Gln (NM_001349207.2); c.2640T>A, p.His880Gln (NM_001349208.2); short protein forms H837Q, H867Q, H880Q, H897Q, H831Q, H916Q, H857Q, H866Q.
Identifiers: ClinVar variation 1464385 (VCV001464385.6), dbSNP rs1202761435, ClinGen allele CA345860488.